The following is an entry in ClinVar:

ClinVar aggregate classification (germline): Benign. Review status: criteria provided, multiple submitters, no conflicts (2 of 4 stars). 3 submissions from 3 submitters: Benign (3). Last evaluated 2026-02-01.

Allele frequency attached by ClinVar (database versions not stated): ESP Exome Variant Server 0.00369; TOPMed 0.00389; 1000 Genomes Project 30x 0.00484; 1000 Genomes Project 0.00499; gnomAD 0.00560 and 0.00583; gnomAD exomes 0.00604 and 0.00649; ExAC 0.00630.
gnomAD v4.1: 9,643 of 1,614,026 alleles (0.6%); highest among the groups gnomAD compares: East Asian, 1.1%; 51 homozygotes.

Submissions (3):

CeGaT Center for Human Genetics Tuebingen
Classification: Benign. Last evaluated: 2026-02-01. Review status: criteria provided, single submitter. Criteria: CeGaT Center For Human Genetics Tuebingen Variant Classification Criteria Version 2. Collection method: clinical testing. Allele origin: germline. Affected: yes. Observed: 17 variant alleles.
Comment: NFASC: PP2, BP4, BS1, BS2

Labcorp Genetics (formerly Invitae), Labcorp
Classification: Benign. Last evaluated: 2018-08-22. Review status: criteria provided, single submitter. Criteria: Invitae Variant Classification Sherloc (09022015). Collection method: clinical testing. Allele origin: germline.

Breakthrough Genomics
Classification: Benign. Review status: criteria provided, single submitter. Criteria: ACMG Guidelines, 2015. Collection method: not provided. Allele origin: germline. Inheritance: Autosomal recessive inheritance. Affected: yes.

NM_001005388.3(NFASC):c.1601G>A (p.Arg534Lys)

Gene: NFASC (neurofascin; plus strand). Cytogenetic location: 1q32.1.
Variant type: single nucleotide variant.
Coding change: c.1601G>A on transcript NM_001005388.3 (MANE Select); coding-DNA position 1601, G replaced by A.
Protein change: p.Arg534Lys; replaces arginine 534 with lysine.
Molecular consequence: missense variant. On other transcripts: non-coding transcript variant (1).
Genome position (GRCh38, 1-based): chr1:204,975,313, G>A. VCF-style: chr1-204975313-G-A. GRCh37 (hg19) VCF-style: chr1-204944441-G-A.
Other names: c.1601G>A, p.Arg534Lys (NM_001005389.2, NM_001378329.1); c.1634G>A, p.Arg545Lys (NM_001160331.2, NM_001160332.2, NM_001365986.1 and 3 more transcripts); c.1583G>A, p.Arg528Lys (NM_001160333.2); short protein forms R545K, R534K, R528K.
Identifiers: ClinVar variation 723068 (VCV000723068.33), dbSNP rs56223230, ClinGen allele CA1349996.